The following is an entry in ClinVar:

NM_005996.4(TBX3):c.1850G>A (p.Arg617Gln)

Gene: TBX3 (T-box transcription factor 3; minus strand). Cytogenetic location: 12q24.21.
Variant type: single nucleotide variant.
Coding change: c.1850G>A on transcript NM_005996.4 (MANE Select); coding-DNA position 1850, G replaced by A.
Protein change: p.Arg617Gln; replaces arginine 617 with glutamine.
Molecular consequence: missense variant.
Genome position (GRCh38, 1-based): chr12:114,672,163, C>T on the plus strand (G>A on the coding strand, the complement: TBX3 is on the minus strand). VCF-style: chr12-114672163-C-T. GRCh37 (hg19) VCF-style: chr12-115109968-C-T.
Other names: c.1910G>A, p.Arg637Gln (NM_016569.4); short protein forms R617Q, R637Q.
Identifiers: ClinVar variation 3349703 (VCV003349703.1).

ClinVar aggregate classification (germline): Uncertain significance (0 of 4 stars; one submission).

Conditions:
TBX3-related disorder. Also called: TBX3-related condition.

gnomAD v4.1: 1 of 1,570,978 alleles (0.000064%); highest among the groups gnomAD compares: Non-Finnish European, 0.000086%; no homozygotes.

Submission:

PreventionGenetics, part of Exact Sciences
Classification: Uncertain significance for TBX3-related condition. Last evaluated: 2024-02-16. Review status: no assertion criteria provided. Collection method: clinical testing. Allele origin: germline.
Comment: The TBX3 c.1910G>A variant is predicted to result in the amino acid substitution p.Arg637Gln. To our knowledge, this variant has not been reported in the literature or in a large population database, indicating this variant is rare. At this time, the clinical significance of this variant is uncertain due to the absence of conclusive functional and genetic evidence.